The following is an entry in ClinVar:

NM_015450.3(POT1):c.1360T>C (p.Leu454=)

Gene: POT1 (protection of telomeres 1; minus strand). Cytogenetic location: 7q31.33.
Variant type: single nucleotide variant.
Coding change: c.1360T>C on transcript NM_015450.3 (MANE Select); coding-DNA position 1360, T replaced by C.
Protein change: p.Leu454=; no amino-acid change (leucine 454 retained).
Molecular consequence: synonymous variant. On other transcripts: non-coding transcript variant (3).
Genome position (GRCh38, 1-based): chr7:124,840,982, A>G on the plus strand (T>C on the coding strand, the complement: POT1 is on the minus strand). VCF-style: chr7-124840982-A-G. GRCh37 (hg19) VCF-style: chr7-124481036-A-G.
Other names: c.967T>C, p.Leu323= (NM_001042594.2).
Identifiers: ClinVar variation 475038 (VCV000475038.20), dbSNP rs1554420018, ClinGen allele CA457482767.

ClinVar aggregate classification (germline): Conflicting classifications of pathogenicity. Review status: criteria provided, conflicting classifications (1 of 4 stars). 5 submissions from 5 submitters: Uncertain significance (1); Likely benign (3). 1 of the submissions does not count toward it. Last evaluated 2025-12-15.

Conditions:
Tumor predisposition syndrome 3 (TPDS3). Also called: Melanoma, cutaneous malignant, susceptibility to, 10; Glioma susceptibility 9; LONG TELOMERE SYNDROME, POT1-RELATED; POT1 Tumor Predisposition. Identifiers: Orphanet 618, MedGen C4014476, MONDO:0014368, OMIM 615848.
POT1-related disorder. Also called: POT1-related condition.
Hereditary cancer-predisposing syndrome. Also called: Tumor predisposition; Hereditary Cancer Syndrome; Neoplastic Syndromes, Hereditary; Hereditary neoplastic syndrome. Identifiers: Orphanet 140162, MedGen C0027672, MeSH D009386, MONDO:0015356.

Submissions (5):

Labcorp Genetics (formerly Invitae), Labcorp
Classification: Likely benign for Tumor predisposition syndrome 3. Last evaluated: 2025-12-15. Review status: criteria provided, single submitter. Criteria: Invitae Variant Classification Sherloc (09022015). Collection method: clinical testing. Allele origin: germline.

GeneDx
Classification: Uncertain significance. Last evaluated: 2025-04-29. Review status: criteria provided, single submitter. Criteria: GeneDx Variant Classification Process June 2021. Collection method: clinical testing. Allele origin: germline.
Comment: Not observed at significant frequency in large population cohorts (gnomAD); In silico analysis indicates that this variant does not alter splicing; Has not been previously published as pathogenic or benign to our knowledge

Blueprint Genetics
Classification: Likely benign. Last evaluated: 2024-11-04. Review status: criteria provided, single submitter. Criteria: ACMG Guidelines, 2015. Collection method: clinical testing. Allele origin: germline.

Ambry Genetics
Classification: Likely benign for Hereditary cancer-predisposing syndrome. Last evaluated: 2018-08-26. Review status: criteria provided, single submitter. Criteria: Ambry Variant Classification Scheme 2023. Collection method: clinical testing. Allele origin: germline.

PreventionGenetics, part of Exact Sciences
Classification: Likely benign for POT1-related condition. Last evaluated: 2019-06-14. Review status: no assertion criteria provided. Collection method: clinical testing. Allele origin: germline. Not counted in ClinVar's aggregate classification.
Comment: This variant is classified as likely benign based on ACMG/AMP sequence variant interpretation guidelines (Richards et al. 2015 PMID: 25741868, with internal and published modifications).